The following is an entry in ClinVar:

ClinVar aggregate classification (germline): Conflicting classifications of pathogenicity. Review status: criteria provided, conflicting classifications (1 of 4 stars). 3 submissions from 3 submitters: Uncertain significance (2); Likely benign (1). Last evaluated 2024-06-05.

Conditions:
Connective tissue disorder. Also called: Connective tissue disease. Identifiers: MedGen C0009782, MONDO:0003900.
Wolcott-Rallison dysplasia. Also called: Wolcott-Rallison syndrome; MED-IDDM SYNDROME. Identifiers: Orphanet 1667, MedGen C0432217, MONDO:0009192, OMIM 226980.

Submissions (3):

ARUP Laboratories, Molecular Genetics and Genomics, ARUP Laboratories
Classification: Uncertain significance for Wolcott-Rallison dysplasia. Last evaluated: 2024-06-05. Review status: criteria provided, single submitter. Criteria: ARUP Molecular Germline Variant Investigation Process 2024. Collection method: clinical testing. Allele origin: germline.
Comment: The EIF2AK3 c.58_63dup; p.Leu20_Leu21dup variant (rs1805190), to our knowledge, is not reported in the medical literature but is reported in ClinVar (Variation ID: 1061835). This variant is found in the general population with an overall allele frequency of 0.018% (17/95306 alleles) in the Genome Aggregation Database (v2.1.1), but is considered a low confidence variant in the database. This variant inserts two leucine residues leaving the rest of the protein in-frame. Due to limited information, the clinical significance of this variant is uncertain at this time.

Labcorp Genetics (formerly Invitae), Labcorp
Classification: Uncertain significance. Last evaluated: 2022-11-01. Review status: criteria provided, single submitter. Criteria: Invitae Variant Classification Sherloc (09022015). Collection method: clinical testing. Allele origin: germline.
Comment: This variant, c.58_63dup, results in the insertion of 2 amino acid(s) of the EIF2AK3 protein (p.Leu20_Leu21dup), but otherwise preserves the integrity of the reading frame. The frequency data for this variant in the population databases is considered unreliable, as metrics indicate poor data quality at this position in the gnomAD database. This variant has not been reported in the literature in individuals affected with EIF2AK3-related conditions. ClinVar contains an entry for this variant (Variation ID: 1061835). Experimental studies and prediction algorithms are not available or were not evaluated, and the functional significance of this variant is currently unknown. In summary, the available evidence is currently insufficient to determine the role of this variant in disease. Therefore, it has been classified as a Variant of Uncertain Significance.

Genome Diagnostics Laboratory, The Hospital for Sick Children
Classification: Likely benign for Connective tissue disorder. Last evaluated: 2020-10-19. Review status: criteria provided, single submitter. Criteria: ACMG Guidelines, 2015. Collection method: clinical testing. Allele origin: germline.

NM_004836.7(EIF2AK3):c.40CTG[10] (p.Leu20_Leu21dup)

Gene: EIF2AK3 (eukaryotic translation initiation factor 2 alpha kinase 3; minus strand). Cytogenetic location: 2p11.2.
Variant type: Microsatellite.
Coding change: c.40CTG[10] on transcript NM_004836.7 (MANE Select); ten copies in a row of the 3-base unit CTG starting at c.40; the reference has eight copies in a row; two copies, 6 bases duplicated.
Protein change: p.Leu20_Leu21dup.
Molecular consequence: inframe insertion.
Genome position (GRCh38, 1-based): chr2:88,627,212-88,627,217, CAGCAG duplicated on the plus strand (CTGCTG on the coding strand, the reverse complement: EIF2AK3 is on the minus strand); duplicating any 6 consecutive bases within chr2:88,627,212-88,627,236 gives the same sequence; the position shown is the placement nearest the transcript's 3' end. VCF-style (leftmost placement, unchanged base first): chr2-88627211-C-CCAGCAG. GRCh37 (hg19) VCF-style: chr2-88926729-C-CCAGCAG.
Identifiers: ClinVar variation 1061835 (VCV001061835.10), dbSNP rs1805190, ClinGen allele CA1755019.